The following is an entry in ClinVar:

NM_198904.4(GABRG2):c.101A>C (p.Tyr34Ser)

Gene: GABRG2 (gamma-aminobutyric acid type A receptor subunit gamma2; plus strand). Cytogenetic location: 5q34.
Variant type: single nucleotide variant.
Coding change: c.101A>C on transcript NM_198904.4 (MANE Select); coding-DNA position 101, A replaced by C.
Protein change: p.Tyr34Ser; replaces tyrosine 34 with serine.
Molecular consequence: missense variant. On other transcripts: 5 prime UTR variant (3), intron variant (1).
Genome position (GRCh38, 1-based): chr5:162,068,100, A>C. VCF-style: chr5-162068100-A-C. GRCh37 (hg19) VCF-style: chr5-161495106-A-C.
Other names: c.101A>C, p.Tyr34Ser (NM_000816.3, NM_001375339.1, NM_001375340.1 and 5 more transcripts); c.35A>C, p.Tyr12Ser (NM_001375345.1, NM_001375346.1); c.-258A>C (NM_001375348.1, NM_001375350.1); c.-306A>C (NM_001375349.1); c.20+459A>C (NM_001375347.1); short protein forms Y12S, Y34S.
Identifiers: ClinVar variation 2574334 (VCV002574334.1), dbSNP rs1459935300, ClinGen allele CA362181910.

ClinVar aggregate classification (germline): Uncertain significance (1 of 4 stars; one submission).

Submission:

GeneDx
Classification: Uncertain significance. Last evaluated: 2023-01-25. Review status: criteria provided, single submitter. Criteria: GeneDx Variant Classification Process June 2021. Collection method: clinical testing. Allele origin: germline. Affected: yes.
Comment: Not observed at significant frequency in large population cohorts (gnomAD); In silico analysis supports that this missense variant does not alter protein structure/function; Has not been previously published as pathogenic or benign to our knowledge